The following is an entry in ClinVar:

NM_024700.4(SNIP1):c.40C>T (p.Arg14Ter)

Gene: SNIP1 (Smad nuclear interacting protein 1; minus strand). Cytogenetic location: 1p34.3.
Variant type: single nucleotide variant.
Coding change: c.40C>T on transcript NM_024700.4 (MANE Select); coding-DNA position 40, C replaced by T.
Protein change: p.Arg14Ter; replaces arginine 14 with a stop codon.
Molecular consequence: nonsense.
Genome position (GRCh38, 1-based): chr1:37,554,190, G>A on the plus strand (C>T on the coding strand, the complement: SNIP1 is on the minus strand). VCF-style: chr1-37554190-G-A. GRCh37 (hg19) VCF-style: chr1-38019791-G-A.
Other names: short protein forms R14*.
Identifiers: ClinVar variation 2743778 (VCV002743778.3), dbSNP rs2522389643, ClinGen allele CA339430131.

ClinVar aggregate classification (germline): Uncertain significance (1 of 4 stars; one submission).

Submission:

Labcorp Genetics (formerly Invitae), Labcorp
Classification: Uncertain significance. Last evaluated: 2023-07-16. Review status: criteria provided, single submitter. Criteria: Invitae Variant Classification Sherloc (09022015). Collection method: clinical testing. Allele origin: germline.
Comment: This sequence change creates a premature translational stop signal (p.Arg14*) in the SNIP1 gene. It is expected to result in an absent or disrupted protein product. However, the current clinical and genetic evidence is not sufficient to establish whether loss-of-function variants in SNIP1 cause disease. In summary, the available evidence is currently insufficient to determine the role of this variant in disease. Therefore, it has been classified as a Variant of Uncertain Significance. This variant has not been reported in the literature in individuals affected with SNIP1-related conditions. This variant is not present in population databases (gnomAD no frequency).